The following is an entry in ClinVar:

NM_004999.4(MYO6):c.1589A>T (p.Asp530Val)

Gene: MYO6 (myosin VI; plus strand). Cytogenetic location: 6q14.1.
Variant type: single nucleotide variant.
Coding change: c.1589A>T on transcript NM_004999.4 (MANE Select); coding-DNA position 1589, A replaced by T.
Protein change: p.Asp530Val; replaces aspartic acid 530 with valine.
Molecular consequence: missense variant. On other transcripts: non-coding transcript variant (1).
Genome position (GRCh38, 1-based): chr6:75,862,638, A>T. VCF-style: chr6-75862638-A-T. GRCh37 (hg19) VCF-style: chr6-76572355-A-T.
Other names: c.1589A>T, p.Asp530Val (NM_001300899.2, NM_001368136.1, NM_001368137.1 and 2 more transcripts); c.1574A>T, p.Asp525Val (NM_001368138.1); short protein forms D530V, D525V.
Identifiers: ClinVar variation 1523037 (VCV001523037.7), dbSNP rs373929865, ClinGen allele CA3897157.

ClinVar aggregate classification (germline): Uncertain significance. Review status: criteria provided, single submitter (1 of 4 stars). 2 submissions from 2 submitters: Uncertain significance (1). 1 of the submissions does not count toward it. Last evaluated 2021-10-29.

Conditions:
Meniere disease. Also called: Ménière's disease. Identifiers: MedGen C0025281, MONDO:0007972, OMIM 156000.

Allele frequency attached by ClinVar (database versions not stated): ExAC 0.00002; gnomAD exomes 0.00002 and 0.00009; TOPMed 0.00004; gnomAD 0.00005 and 0.00006; ESP Exome Variant Server 0.00008.
gnomAD v4.1: 151 of 1,613,812 alleles (0.0094%); highest among the groups gnomAD compares: Non-Finnish European, 0.011%; no homozygotes.

Submissions (2):

Labcorp Genetics (formerly Invitae), Labcorp
Classification: Uncertain significance. Last evaluated: 2021-10-29. Review status: criteria provided, single submitter. Criteria: Invitae Variant Classification Sherloc (09022015). Collection method: clinical testing. Allele origin: germline.
Comment: In summary, the available evidence is currently insufficient to determine the role of this variant in disease. Therefore, it has been classified as a Variant of Uncertain Significance. Algorithms developed to predict the effect of missense changes on protein structure and function are either unavailable or do not agree on the potential impact of this missense change (SIFT: "Deleterious"; PolyPhen-2: "Not Available"; Align-GVGD: "Class C65"). This variant has not been reported in the literature in individuals affected with MYO6-related conditions. The frequency data for this variant in the population databases is considered unreliable, as metrics indicate poor data quality at this position in the gnomAD database. This sequence change replaces aspartic acid, which is acidic and polar, with valine, which is neutral and non-polar, at codon 530 of the MYO6 protein (p.Asp530Val).

Center for Computational Biology & Bioinformatics, University of California, San Diego
Classification: Uncertain significance for Meniere disease. Last evaluated: 2024-06-03. Review status: no assertion criteria provided. Collection method: research. Allele origin: germline. Affected: yes. Not counted in ClinVar's aggregate classification.